The following is an entry in ClinVar:

NM_001289104.2(PRKCSH):c.1356C>T (p.Ser452=)

Gene: PRKCSH (PRKCSH beta subunit of glucosidase II; plus strand). Cytogenetic location: 19p13.2.
Variant type: single nucleotide variant.
Coding change: c.1356C>T on transcript NM_001289104.2 (MANE Select); coding-DNA position 1356, C replaced by T.
Protein change: p.Ser452=; no amino-acid change (serine 452 retained).
Molecular consequence: synonymous variant.
Genome position (GRCh38, 1-based): chr19:11,448,983, C>T. VCF-style: chr19-11448983-C-T. GRCh37 (hg19) VCF-style: chr19-11559798-C-T.
Other names: c.1326C>T, p.Ser442= (NM_001001329.3, NM_001289102.2, NM_001379609.1); c.1356C>T, p.Ser452= (NM_001289103.2); c.1335C>T, p.Ser445= (NM_001379608.1, NM_002743.3).
Identifiers: ClinVar variation 3778406 (VCV003778406.7).

ClinVar aggregate classification (germline): Likely benign (1 of 4 stars; one submission).

Submission:

CeGaT Center for Human Genetics Tuebingen
Classification: Likely benign. Last evaluated: 2025-03-01. Review status: criteria provided, single submitter. Criteria: CeGaT Center For Human Genetics Tuebingen Variant Classification Criteria Version 2. Collection method: clinical testing. Allele origin: germline. Affected: yes. Observed: 1 variant allele.
Comment: PRKCSH: BP4, BP7